The following is an entry in ClinVar:

ClinVar aggregate classification (germline): Uncertain significance (1 of 4 stars; one submission).

Conditions:
Atrial standstill 1 (ATRST1). Also called: Atrial standstill, digenic (GJA5/SCN5A); ATRIAL CARDIOMYOPATHY WITH HEART BLOCK; CARDIOMYOPATHY, FAMILIAL, WITH CONDUCTION DISTURBANCE. Identifiers: Orphanet 1344, MedGen C4551959, MONDO:0007171, OMIM 108770.
Atrial fibrillation, familial, 11 (ATFB11). Identifiers: MedGen C3279693, MONDO:0013544, OMIM 614049.

Allele frequency attached by ClinVar (database versions not stated): gnomAD exomes below 0.00001; TOPMed below 0.00001.

Submission:

Labcorp Genetics (formerly Invitae), Labcorp
Classification: Uncertain significance for Atrial fibrillation, familial, 11; Atrial standstill 1. Last evaluated: 2023-12-01. Review status: criteria provided, single submitter. Criteria: Invitae Variant Classification Sherloc (09022015). Collection method: clinical testing. Allele origin: germline.
Comment: This sequence change results in a frameshift in the GJA5 gene (p.Ser260Alafs*124). While this is not anticipated to result in nonsense mediated decay, it is expected to disrupt the last 99 amino acid(s) of the GJA5 protein and extend the protein by 24 additional amino acid residues. This variant is not present in population databases (gnomAD no frequency). This variant has not been reported in the literature in individuals affected with GJA5-related conditions. Experimental studies and prediction algorithms are not available or were not evaluated, and the functional significance of this variant is currently unknown. In summary, the available evidence is currently insufficient to determine the role of this variant in disease. Therefore, it has been classified as a Variant of Uncertain Significance.

NM_181703.4(GJA5):c.777del (p.Ser260fs)

Genes: GJA5 (gap junction protein alpha 5; minus strand), LOC122128420 (Sharpr-MPRA regulatory region 3144; plus strand). Cytogenetic location: 1q21.2.
Variant type: Deletion.
Coding change: c.777del on transcript NM_181703.4 (MANE Select); coding-DNA position 777, one base deleted (G; older notation c.777delG).
Protein change: p.Ser260fs; shifts the reading frame from serine 260.
Molecular consequence: frameshift variant.
Genome position (GRCh38, 1-based): chr1:147,758,462, C deleted on the plus strand (G on the coding strand, the reverse complement: GJA5 is on the minus strand). VCF-style (leftmost placement, unchanged base first): chr1-147758461-TC-T. GRCh37 (hg19) VCF-style: chr1-147230569-TC-T.
Other names: c.777del, p.Ser260fs (NM_005266.7); short protein forms S260fs.
Identifiers: ClinVar variation 2935898 (VCV002935898.3), dbSNP rs1663834655, ClinGen allele CA1199590744.